The following is an entry in ClinVar:

ClinVar aggregate classification (germline): Uncertain significance (1 of 4 stars; one submission).

Allele frequency attached by ClinVar (database versions not stated): ExAC 0.00001; gnomAD exomes 0.00001 and 0.00002; gnomAD 0.00002; TOPMed 0.00002.
gnomAD v4.1: 19 of 1,209,522 alleles (0.0016%); highest among the groups gnomAD compares: Non-Finnish European, 0.002%; no homozygotes.

Submission:

Greenwood Genetic Center Diagnostic Laboratories, Greenwood Genetic Center
Classification: Uncertain significance. Last evaluated: 2020-12-30. Review status: criteria provided, single submitter. Criteria: ACMG Guidelines, 2015. Collection method: clinical testing. Allele origin: germline. Affected: yes.
Comment: PM2

NM_004606.5(TAF1):c.880A>G (p.Asn294Asp)

Gene: TAF1 (TATA-box binding protein associated factor 1; plus strand). Cytogenetic location: Xq13.1.
Variant type: single nucleotide variant.
Coding change: c.880A>G on transcript NM_004606.5 (MANE Select); coding-DNA position 880, A replaced by G.
Protein change: p.Asn294Asp; replaces asparagine 294 with aspartic acid.
Molecular consequence: missense variant. On other transcripts: non-coding transcript variant (9).
Genome position (GRCh38, 1-based): chrX:71,377,768, A>G. VCF-style: chrX-71377768-A-G. GRCh37 (hg19) VCF-style: chrX-70597618-A-G.
Other names: c.880A>G, p.Asn294Asp (NM_001286074.2); c.817A>G, p.Asn273Asp (NM_138923.4); short protein forms N273D, N294D.
Identifiers: ClinVar variation 1331562 (VCV001331562.4), dbSNP rs769951106, ClinGen allele CA10446626.